The following is an entry in ClinVar:

ClinVar aggregate classification (germline): Pathogenic (1 of 4 stars; one submission).

Conditions:
Warts, hypogammaglobulinemia, infections, and myelokathexis. Also called: WHIM syndrome. Identifiers: MedGen C0472817, MONDO:0023880.

Submission:

Labcorp Genetics (formerly Invitae), Labcorp
Classification: Pathogenic for Warts, hypogammaglobulinemia, infections, and myelokathexis. Last evaluated: 2023-10-03. Review status: criteria provided, single submitter. Criteria: Invitae Variant Classification Sherloc (09022015). Collection method: clinical testing. Allele origin: germline.
Comment: This sequence change creates a premature translational stop signal (p.Ser319Cysfs*24) in the CXCR4 gene. While this is not anticipated to result in nonsense mediated decay, it is expected to disrupt the last 34 amino acid(s) of the CXCR4 protein. This variant is not present in population databases (gnomAD no frequency). This premature translational stop signal has been observed in individual(s) with warts, hypogammaglobulinemia, immunodeficiency, myelokathexis (WHIM) syndrome (PMID: 27484033). In at least one individual the variant was observed to be de novo. ClinVar contains an entry for this variant (Variation ID: 835055). Algorithms developed to predict the effect of variants on protein structure and function are not available or were not evaluated for this variant. Experimental studies have shown that this premature translational stop signal affects CXCR4 function (Zmajkovicova K et al. Dec 2021. American Society of Hematology Session 203. Comprehensive in Vitro Characterization of CXCR4-WHIM variants to Decipher Genotype–Phenotype Correlations in W­H­I­M Syndrome.). This variant is located in a region of the CXCR4 protein where a significant number of CXCR4 nonsense and frameshift mutations have been reported in association with autosomal dominant WHIM syndrome (PMID: 31313072, 32784523, 35947323, 36089616). For these reasons, this variant has been classified as Pathogenic.

Literature cited by the submitters: PubMed 27484033; PubMed 31313072; PubMed 32784523; PubMed 35947323; PubMed 36089616.

NM_003467.3(CXCR4):c.956_957del (p.Ser319fs)

Gene: CXCR4 (C-X-C motif chemokine receptor 4; minus strand). Cytogenetic location: 2q22.1.
Variant type: Microsatellite.
Coding change: c.956_957del on transcript NM_003467.3 (MANE Select); coding-DNA positions 956 to 957, 2 bases deleted (CT; older notation c.956_957delCT).
Protein change: p.Ser319fs; shifts the reading frame from serine 319.
Molecular consequence: frameshift variant.
Genome position (GRCh38, 1-based): chr2:136,114,971-136,114,972, AG deleted on the plus strand (CT on the coding strand, the reverse complement: CXCR4 is on the minus strand); deleting any 2 consecutive bases within chr2:136,114,971-136,114,974 gives the same sequence; the c. name uses the placement nearest the transcript's 3' end. VCF-style (leftmost placement, unchanged base first): chr2-136114970-CAG-C. GRCh37 (hg19) VCF-style: chr2-136872540-CAG-C.
Other names: c.968_969del, p.Ser323fs (NM_001008540.2); c.1169_1170del, p.Ser390fs (NM_001348056.2); c.1055_1056del, p.Ser352fs (NM_001348059.2); c.911_912del, p.Ser304fs (NM_001348060.2); short protein forms S304fs, S323fs, S352fs, S319fs, S390fs.
Identifiers: ClinVar variation 835055 (VCV000835055.10), dbSNP rs1684841455, ClinGen allele CA916081314.